The following is an entry in ClinVar:

ClinVar aggregate classification (germline): Uncertain significance (1 of 4 stars; one submission).

Conditions:
Hereditary cancer-predisposing syndrome. Also called: Hereditary neoplastic syndrome; Neoplastic Syndromes, Hereditary; Tumor predisposition; Hereditary Cancer Syndrome. Identifiers: Orphanet 140162, MedGen C0027672, MeSH D009386, MONDO:0015356.

Submission:

Ambry Genetics
Classification: Uncertain significance for Hereditary cancer-predisposing syndrome. Last evaluated: 2025-08-27. Review status: criteria provided, single submitter. Criteria: Ambry Variant Classification Scheme 2023. Collection method: clinical testing. Allele origin: germline.
Comment: The p.D328N variant (also known as c.982G>A), located in coding exon 11 of the MUTYH gene, results from a G to A substitution at nucleotide position 982. The aspartic acid at codon 328 is replaced by asparagine, an amino acid with highly similar properties. This amino acid position is conserved. In addition, this alteration is predicted to be tolerated by in silico analysis. Based on the available evidence, the clinical significance of this variant remains unclear.

NM_001048174.2(MUTYH):c.898G>A (p.Asp300Asn)

Gene: MUTYH (mutY DNA glycosylase; minus strand). Cytogenetic location: 1p34.1.
Variant type: single nucleotide variant.
Coding change: c.898G>A on transcript NM_001048174.2 (MANE Select); coding-DNA position 898, G replaced by A.
Protein change: p.Asp300Asn; replaces aspartic acid 300 with asparagine.
Molecular consequence: missense variant. On other transcripts: non-coding transcript variant (7).
Genome position (GRCh38, 1-based): chr1:45,332,038, C>T on the plus strand (G>A on the coding strand, the complement: MUTYH is on the minus strand). VCF-style: chr1-45332038-C-T. GRCh37 (hg19) VCF-style: chr1-45797710-C-T.
Other names: c.898G>A, p.Asp300Asn (NM_001048171.2, NM_001407070.1, NM_001407072.1 and 6 more transcripts); c.901G>A, p.Asp301Asn (NM_001048172.2, NM_001407071.1, NM_001407078.1 and 1 more transcripts); c.553G>A, p.Asp185Asn (NM_001350651.2, NM_001350650.2, NM_001407082.1); c.931G>A, p.Asp311Asn (NM_001407069.1, NM_001407077.1, NM_001293191.2); c.814G>A, p.Asp272Asn (NM_001407075.1); c.622G>A, p.Asp208Asn (NM_001407091.1, NM_001293192.2, NM_001293196.2); c.973G>A, p.Asp325Asn (NM_012222.3); c.982G>A, p.Asp328Asn (NM_001128425.2); and 5 more; short protein forms D287N, D185N, D208N, D286N, D301N, D307N, D315N, D325N.
Identifiers: ClinVar variation 4113983 (VCV004113983.1).